The following is an entry in ClinVar:

ClinVar aggregate classification (germline): Uncertain significance. Review status: criteria provided, multiple submitters, no conflicts (2 of 4 stars). 2 submissions from 2 submitters: Uncertain significance (2). Last evaluated 2025-07-08.

Conditions:
Inborn genetic diseases. Identifiers: MedGen C0950123, MeSH D030342.
Hereditary hyperekplexia. Identifiers: Orphanet 3197, MedGen C4084968, MONDO:0021022.

Allele frequency attached by ClinVar (database versions not stated): gnomAD exomes below 0.00001; TOPMed 0.00001.
gnomAD v4.1: 1 of 1,604,686 alleles (0.000062%); highest among the groups gnomAD compares: Non-Finnish European, 0.000085%; no homozygotes.

Submissions (2):

Labcorp Genetics (formerly Invitae), Labcorp
Classification: Uncertain significance for Hereditary hyperekplexia. Last evaluated: 2025-07-08. Review status: criteria provided, single submitter. Criteria: Invitae Variant Classification Sherloc (09022015). Collection method: clinical testing. Allele origin: germline.
Comment: This sequence change replaces aspartic acid, which is acidic and polar, with glycine, which is neutral and non-polar, at codon 355 of the GLRA1 protein (p.Asp355Gly). This variant is not present in population databases (gnomAD no frequency). This variant has not been reported in the literature in individuals affected with GLRA1-related conditions. ClinVar contains an entry for this variant (Variation ID: 1349934). Invitae Evidence Modeling of protein sequence and biophysical properties (such as structural, functional, and spatial information, amino acid conservation, physicochemical variation, residue mobility, and thermodynamic stability) has been performed for this missense variant. However, the output from this modeling did not meet the statistical confidence thresholds required to predict the impact of this variant on GLRA1 protein function. In summary, the available evidence is currently insufficient to determine the role of this variant in disease. Therefore, it has been classified as a Variant of Uncertain Significance.

Ambry Genetics
Classification: Uncertain significance for Inborn genetic diseases. Last evaluated: 2023-08-22. Review status: criteria provided, single submitter. Criteria: Ambry Variant Classification Scheme 2023. Collection method: clinical testing. Allele origin: germline.

NM_000171.4(GLRA1):c.1064A>G (p.Asp355Gly)

Gene: GLRA1 (glycine receptor alpha 1; minus strand). Cytogenetic location: 5q33.1.
Variant type: single nucleotide variant.
Coding change: c.1064A>G on transcript NM_000171.4 (MANE Select); coding-DNA position 1064, A replaced by G.
Protein change: p.Asp355Gly; replaces aspartic acid 355 with glycine.
Molecular consequence: missense variant.
Genome position (GRCh38, 1-based): chr5:151,822,959, T>C on the plus strand (A>G on the coding strand, the complement: GLRA1 is on the minus strand). VCF-style: chr5-151822959-T-C. GRCh37 (hg19) VCF-style: chr5-151202520-T-C.
Other names: c.1088A>G, p.Asp363Gly (NM_001146040.2); c.815A>G, p.Asp272Gly (NM_001292000.2); c.1064A>G (NM_000171.3); short protein forms D355G, D363G, D272G.
Identifiers: ClinVar variation 1349934 (VCV001349934.9), dbSNP rs1763180019, ClinGen allele CA361850379.